The following is an entry in ClinVar:

ClinVar aggregate classification (germline): Uncertain significance. Review status: criteria provided, multiple submitters, no conflicts (2 of 4 stars). 3 submissions from 3 submitters: Uncertain significance (3). Last evaluated 2025-06-24.

Conditions:
Inborn genetic diseases. Identifiers: MedGen C0950123, MeSH D030342.

Allele frequency attached by ClinVar (database versions not stated): gnomAD 0.00001; ExAC 0.00007.
gnomAD v4.1: 37 of 1,614,166 alleles (0.0023%); highest among the groups gnomAD compares: South Asian, 0.038%; no homozygotes.

Submissions (3):

Ambry Genetics
Classification: Uncertain significance for Inborn genetic diseases. Last evaluated: 2025-06-24. Review status: criteria provided, single submitter. Criteria: Ambry Variant Classification Scheme 2023. Collection method: clinical testing. Allele origin: germline.

Blueprint Genetics
Classification: Uncertain significance. Last evaluated: 2024-03-01. Review status: criteria provided, single submitter. Criteria: ACMG Guidelines, 2015. Collection method: clinical testing. Allele origin: germline.

Labcorp Genetics (formerly Invitae), Labcorp
Classification: Uncertain significance. Last evaluated: 2023-07-25. Review status: criteria provided, single submitter. Criteria: Invitae Variant Classification Sherloc (09022015). Collection method: clinical testing. Allele origin: germline.
Comment: This sequence change replaces arginine, which is basic and polar, with threonine, which is neutral and polar, at codon 461 of the BEST1 protein (p.Arg461Thr). This variant is present in population databases (rs778760005, gnomAD 0.05%). This variant has not been reported in the literature in individuals affected with BEST1-related conditions. ClinVar contains an entry for this variant (Variation ID: 2166281). Algorithms developed to predict the effect of missense changes on protein structure and function output the following: SIFT: "Not Available"; PolyPhen-2: "Benign"; Align-GVGD: "Not Available". The threonine amino acid residue is found in multiple mammalian species, which suggests that this missense change does not adversely affect protein function. In summary, the available evidence is currently insufficient to determine the role of this variant in disease. Therefore, it has been classified as a Variant of Uncertain Significance.

NM_004183.4(BEST1):c.1382G>C (p.Arg461Thr)

Gene: BEST1 (bestrophin 1; plus strand). Cytogenetic location: 11q12.3.
Variant type: single nucleotide variant.
Coding change: c.1382G>C on transcript NM_004183.4 (MANE Select); coding-DNA position 1382, G replaced by C.
Protein change: p.Arg461Thr; replaces arginine 461 with threonine.
Molecular consequence: missense variant. On other transcripts: non-coding transcript variant (1).
Genome position (GRCh38, 1-based): chr11:61,962,536, G>C. VCF-style: chr11-61962536-G-C. GRCh37 (hg19) VCF-style: chr11-61730008-G-C.
Other names: c.1202G>C, p.Arg401Thr (NM_001139443.3, NM_001300787.2); c.1121G>C, p.Arg374Thr (NM_001300786.2); c.1064G>C, p.Arg355Thr (NM_001363591.3); c.*277G>C (NM_001363592.2); c.410G>C, p.Arg137Thr (NM_001363593.3); short protein forms R374T, R137T, R355T, R401T, R461T.
Identifiers: ClinVar variation 2166281 (VCV002166281.7), dbSNP rs778760005, ClinGen allele CA6041048.